The following is an entry in ClinVar:

NM_001035.3(RYR2):c.4800C>T (p.Pro1600=)

Gene: RYR2 (ryanodine receptor 2; plus strand). Cytogenetic location: 1q43.
Variant type: single nucleotide variant.
Coding change: c.4800C>T on transcript NM_001035.3 (MANE Select); coding-DNA position 4800, C replaced by T.
Protein change: p.Pro1600=; no amino-acid change (proline 1600 retained).
Molecular consequence: synonymous variant.
Genome position (GRCh38, 1-based): chr1:237,610,878, C>T. VCF-style: chr1-237610878-C-T. GRCh37 (hg19) VCF-style: chr1-237774178-C-T.
Other names: c.4800C>T, p.Pro1600= (LRG_402t1).
Identifiers: ClinVar variation 412818 (VCV000412818.19), dbSNP rs546340378, ClinGen allele CA086739.
Genomic context (GRCh38, chr1:237,610,878, plus strand): 5'-GCAGTGCCCCCCGCGCCTCCACGTGCAGTTCCTGTCACACGTCCTGTGGAGCAGAATGCC[C>T]AACCAGTTTTTGAAGGTAGATGTGTCTCGAATAAGTGAACGCCAAGGCTGGTTGGTGCAG-3'
Protein context (NP_001026.2, residues 1590-1610): FLSHVLWSRM[Pro1600=]NQFLKVDVSR

ClinVar aggregate classification (germline): Likely benign. Review status: criteria provided, multiple submitters, no conflicts (2 of 4 stars). 5 submissions from 5 submitters: Likely benign (5). Last evaluated 2025-09-10.

Conditions:
Cardiovascular phenotype. Identifiers: MedGen CN230736.
Catecholaminergic polymorphic ventricular tachycardia (CVPT). Also called: Catecholamine-induced polymorphic ventricular tachycardia. Identifiers: Orphanet 3286, MedGen C5574922, MONDO:0017990.
Cardiomyopathy (CMYO). Also called: Cardiomyopathies. Identifiers: Orphanet 167848, MedGen C0878544, MONDO:0004994, HP:0001638. Inheritance: Various modes of inheritance.
Catecholaminergic polymorphic ventricular tachycardia 1. Also called: VENTRICULAR TACHYCARDIA, STRESS-INDUCED POLYMORPHIC 1; RYR2-Related Catecholaminergic Polymorphic Ventricular Tachycardia; VENTRICULAR TACHYCARDIA, CATECHOLAMINERGIC POLYMORPHIC, 1, WITH OR WITHOUT ATRIAL DYSFUNCTION AND/OR DILATED CARDIOMYOPATHY. Identifiers: Orphanet 3286, MedGen C1631597, MONDO:0011484, OMIM 604772.

Allele frequency attached by ClinVar (database versions not stated): ExAC 0.00002; gnomAD exomes 0.00002; gnomAD 0.00007 and 0.00009; TOPMed 0.00011; 1000 Genomes Project 0.00020; 1000 Genomes Project 30x 0.00031.
gnomAD v4.1: 32 of 1,613,402 alleles (0.002%); highest among the groups gnomAD compares: African/African-American, 0.023%; no homozygotes.

Submissions (5):

Labcorp Genetics (formerly Invitae), Labcorp
Classification: Likely benign for Catecholaminergic polymorphic ventricular tachycardia 1. Last evaluated: 2025-09-10. Review status: criteria provided, single submitter. Criteria: Invitae Variant Classification Sherloc (09022015). Collection method: clinical testing. Allele origin: germline.

Ambry Genetics
Classification: Likely benign for Cardiovascular phenotype. Last evaluated: 2023-11-23. Review status: criteria provided, single submitter. Criteria: Ambry Variant Classification Scheme 2023. Collection method: clinical testing. Allele origin: germline.

All of Us Research Program, National Institutes of Health
Classification: Likely benign for Catecholaminergic polymorphic ventricular tachycardia. Last evaluated: 2023-10-27. Review status: criteria provided, single submitter. Criteria: ACMG Guidelines, 2015. Collection method: clinical testing. Allele origin: germline. Inheritance: Autosomal dominant inheritance. Observed: 6 variant alleles, 6 heterozygotes.
Comment: This study involves interpretation of variants in research participants for the purpose of population health screening. Participant phenotype was not available at the time of variant classification. Additional details can be found in publication PMID: 35346344, PMCID: PMC8962531

Molecular Diagnostic Laboratory for Inherited Cardiovascular Disease, Montreal Heart Institute
Classification: Likely benign. Last evaluated: 2019-09-10. Review status: criteria provided, single submitter. Criteria: ACMG Guidelines, 2015. Collection method: clinical testing. Allele origin: germline. Affected: yes.

Color Diagnostics, LLC DBA Color Health
Classification: Likely benign for Cardiomyopathy. Last evaluated: 2019-03-11. Review status: criteria provided, single submitter. Criteria: ACMG Guidelines, 2015. Collection method: clinical testing. Allele origin: germline.